The following is an entry in ClinVar:

ClinVar aggregate classification (germline): Uncertain significance (1 of 4 stars; one submission).

Conditions:
Emery-Dreifuss muscular dystrophy 5, autosomal dominant (EDMD5). Also called: EMERY-DREIFUSS MUSCULAR DYSTROPHY 5. Identifiers: Orphanet 261, MedGen C2751805, MONDO:0013072, OMIM 612999.

Allele frequency attached by ClinVar (database versions not stated): 1000 Genomes Project 30x 0.00016.
gnomAD v4.1: 6 of 1,613,816 alleles (0.00037%); highest among the groups gnomAD compares: East Asian, 0.011%; no homozygotes.

Submissions (3):

Labcorp Genetics (formerly Invitae), Labcorp
Classification: Uncertain significance for Emery-Dreifuss muscular dystrophy 5, autosomal dominant. Last evaluated: 2025-05-16. Review status: criteria provided, single submitter. Criteria: Invitae Variant Classification Sherloc (09022015). Collection method: clinical testing. Allele origin: germline.
Comment: This sequence change replaces threonine, which is neutral and polar, with serine, which is neutral and polar, at codon 49 of the SYNE2 protein (p.Thr49Ser). This variant is present in population databases (rs754768287, gnomAD 0.02%). This variant has not been reported in the literature in individuals affected with SYNE2-related conditions. ClinVar contains an entry for this variant (Variation ID: 1406473). An algorithm developed to predict the effect of missense changes on protein structure and function outputs the following: PolyPhen-2: "Benign". The serine amino acid residue is found in multiple mammalian species, which suggests that this missense change does not adversely affect protein function. In summary, the available evidence is currently insufficient to determine the role of this variant in disease. Therefore, it has been classified as a Variant of Uncertain Significance.

Dr. Peter K. Rogan Lab, Western University
No classification provided (evidence only). Condition: Gastric cancer. Review status: no classification provided. Collection method: in vitro. Allele origin: not applicable. Functional consequence: retained intron. Not counted in ClinVar's aggregate classification.

Dr. Peter K. Rogan Lab, Western University
No classification provided (evidence only). Condition: Malignant tumor of esophagus. Review status: no classification provided. Collection method: in vitro. Allele origin: not applicable. Functional consequence: skipped exon, retained intron. Not counted in ClinVar's aggregate classification.

NM_182914.3(SYNE2):c.146C>G (p.Thr49Ser)

Gene: SYNE2 (spectrin repeat containing nuclear envelope protein 2; plus strand). Cytogenetic location: 14q23.2.
Variant type: single nucleotide variant.
Coding change: c.146C>G on transcript NM_182914.3 (MANE Select); coding-DNA position 146, C replaced by G.
Protein change: p.Thr49Ser; replaces threonine 49 with serine.
Molecular consequence: missense variant.
Genome position (GRCh38, 1-based): chr14:63,941,699, C>G. VCF-style: chr14-63941699-C-G. GRCh37 (hg19) VCF-style: chr14-64408417-C-G.
Other names: c.146C>G, p.Thr49Ser (NM_015180.6); short protein forms T49S.
Identifiers: ClinVar variation 1406473 (VCV001406473.9), dbSNP rs754768287, ClinGen allele CA7219030.
Genomic context (GRCh38, chr14:63,941,699, plus strand): 5'-AGGTATTCTTTTTGGACCAAAGTTTGAATGATTATTTTTCTTGTGACCTTCTGCAGCACA[C>G]TTCTCCCTCAGTTATATCCGACCTATTCACAGACATTAAAAAGGGGCATGTCCTCCTGGA-3'
Protein context (NP_878918.2, residues 39-59): CWINSQLARH[Thr49Ser]SPSVISDLFT